The following continues an entry in ClinVar:

NM_001041.4(SI):c.1730T>G (p.Val577Gly)

Gene: SI. ClinVar aggregate classification (germline): Conflicting classifications of pathogenicity. Pathogenic (3); Likely pathogenic (12); Uncertain significance (1).

Submissions 15 to 20 of 20:

Illumina Laboratory Services, Illumina
Classification: Pathogenic for Sucrase-isomaltase deficiency. Last evaluated: 2017-04-27. Review status: criteria provided, single submitter. Criteria: ICSL Variant Classification Criteria 09 May 2019. Collection method: clinical testing. Allele origin: germline.
Comment: The SI c.1730T>G (p.Val577Gly) missense variant is documented as one of the most common pathogenic variants found in individuals with congenital sucrase-isomaltase deficiency (CSID) (Gericke et al. 2016). The p.Val577Gly variant has been reported in two individual studies in which it is found in two siblings in a compound heterozygous state and in eight individual alleles of unspecified zygosity, which represented 15% of all individual alleles in the study (Sander et al. 2006; Uhrich et al. 2012). The p.Val577Gly variant was absent from the single control tested but is reported at a frequency of 0.00139 in the European American population of the Exome Sequencing Project. The Val577 residue is conserved. Functional studies performed by Alfalah et al. (2009) show that the p.Val577Gly variant results in a protein that is misfolded with a subsequent loss of enzyme activity. The variant protein was also shown to exist exclusively as a mannose-rich glycosylated species and to be retained in the endoplasmic reticulum. Based on the evidence, the p.Val577Gly variant is classified as pathogenic for congenital sucrase-isomaltase deficiency. This variant was observed by ICSL as part of a predisposition screen in an ostensibly healthy population.

Juno Genomics, Hangzhou Juno Genomics, Inc
Classification: Likely pathogenic for Sucrase-isomaltase deficiency. Review status: criteria provided, single submitter. Criteria: ACMG Guidelines, 2015. Collection method: clinical testing. Allele origin: germline. Affected: yes.
Comment: Absent from controls (or at extremely low frequency if recessive) in Genome Aggregation Database, Exome Sequencing Project, 1000 Genomes Project, or Exome Aggregation Consortium.;For recessive disorders, detected in trans with a pathogenic variant.;Patient's phenotype or family history is highly specific for a disease with a single genetic etiology.;Multiple lines of computational evidence support a deleterious effect on the gene or gene product (conservation, evolutionary, splicing impact, etc).;Well-established in vitro or in vivo functional studies supportive of a damaging effect on the gene or gene product.

Division of Human Genetics, Children's Hospital of Philadelphia
Classification: Pathogenic for Sucrase-isomaltase deficiency. Last evaluated: 2016-03-01. Review status: no assertion criteria provided. Collection method: research. Allele origin: paternal. Study: CSER-PediSeq. Not counted in ClinVar's aggregate classification.

OMIM
Classification: Pathogenic for SUCRASE-ISOMALTASE DEFICIENCY, CONGENITAL. Last evaluated: 2006-01-01. Review status: no assertion criteria provided. Collection method: literature only. Allele origin: germline. Not counted in ClinVar's aggregate classification.

Clinical Genetics DNA and cytogenetics Diagnostics Lab, Erasmus MC, Erasmus Medical Center
Classification: Likely pathogenic. Review status: no assertion criteria provided. Collection method: clinical testing. Allele origin: germline. Affected: yes. Study: VKGL Data-share Consensus. Not counted in ClinVar's aggregate classification.

Joint Genome Diagnostic Labs from Nijmegen and Maastricht, Radboudumc and MUMC+
Classification: Likely pathogenic. Review status: no assertion criteria provided. Collection method: clinical testing. Allele origin: germline. Affected: yes. Study: VKGL Data-share Consensus. Not counted in ClinVar's aggregate classification.

Literature cited by the submitters: PubMed 27749612 (cited by 3 submitters); PubMed 19121318 (cited by 4 submitters); PubMed 28062276 (cited by Dasa and Labcorp Genetics (formerly Invitae), Labcorp); PubMed 16329100 (cited by 3 submitters); PubMed 23103650 (cited by Labcorp Genetics (formerly Invitae), Labcorp and Illumina Laboratory Services, Illumina); PubMed 26812950 (cited by Illumina Laboratory Services, Illumina); Sander, P., Alfalah, M., Keiser, M., Korponay-Szabo, I., Kovacs, J. B., Leeb, T., Naim, H. Y. Novel mutations in the human sucrase-isomaltase gene (SI) that cause congenital carbohydrate malabsorption. Hum. Mutat. 27: 119-only, 2006. (cited by OMIM).